The following is an entry in ClinVar:

NM_005702.4(ERAL1):c.81G>A (p.Arg27=)

Gene: ERAL1 (Era like 12S mitochondrial rRNA chaperone 1; plus strand). Cytogenetic location: 17q11.2.
Variant type: single nucleotide variant.
Coding change: c.81G>A on transcript NM_005702.4 (MANE Select); coding-DNA position 81, G replaced by A.
Protein change: p.Arg27=; no amino-acid change (arginine 27 retained).
Molecular consequence: synonymous variant. On other transcripts: non-coding transcript variant (1).
Genome position (GRCh38, 1-based): chr17:28,855,115, G>A. VCF-style: chr17-28855115-G-A. GRCh37 (hg19) VCF-style: chr17-27182133-G-A.
Other names: c.81G>A, p.Arg27= (NM_001317985.2, NM_001317986.2).
Identifiers: ClinVar variation 3056600 (VCV003056600.2), dbSNP rs145551568, ClinGen allele CA8468468.

ClinVar aggregate classification (germline): Likely benign (0 of 4 stars; one submission).

Conditions:
ERAL1-related disorder. Also called: ERAL1-related condition.

Allele frequency attached by ClinVar (database versions not stated): gnomAD exomes 0.00002; ExAC 0.00003; gnomAD 0.00019; TOPMed 0.00019; ESP Exome Variant Server 0.00023.

Submission:

PreventionGenetics, part of Exact Sciences
Classification: Likely benign for ERAL1-related condition. Last evaluated: 2019-04-30. Review status: no assertion criteria provided. Collection method: clinical testing. Allele origin: germline.
Comment: This variant is classified as likely benign based on ACMG/AMP sequence variant interpretation guidelines (Richards et al. 2015 PMID: 25741868, with internal and published modifications).